The following is an entry in ClinVar:

ClinVar aggregate classification (germline): Uncertain significance (1 of 4 stars; one submission).

Conditions:
Tuberous sclerosis 2 (TSC2). Identifiers: Orphanet 805, MedGen C1860707, MONDO:0013199, OMIM 613254.

Submission:

Labcorp Genetics (formerly Invitae), Labcorp
Classification: Uncertain significance for Tuberous sclerosis 2. Last evaluated: 2023-12-02. Review status: criteria provided, single submitter. Criteria: Invitae Variant Classification Sherloc (09022015). Collection method: clinical testing. Allele origin: germline.
Comment: This sequence change replaces serine, which is neutral and polar, with phenylalanine, which is neutral and non-polar, at codon 218 of the TSC2 protein (p.Ser218Phe). This variant is not present in population databases (gnomAD no frequency). This variant has not been reported in the literature in individuals affected with TSC2-related conditions. Advanced modeling of protein sequence and biophysical properties (such as structural, functional, and spatial information, amino acid conservation, physicochemical variation, residue mobility, and thermodynamic stability) performed at Invitae indicates that this missense variant is not expected to disrupt TSC2 protein function with a negative predictive value of 95%. In summary, the available evidence is currently insufficient to determine the role of this variant in disease. Therefore, it has been classified as a Variant of Uncertain Significance.

NM_000548.5(TSC2):c.653C>T (p.Ser218Phe)

Gene: TSC2 (TSC complex subunit 2; plus strand). Cytogenetic location: 16p13.3.
Variant type: single nucleotide variant.
Coding change: c.653C>T on transcript NM_000548.5 (MANE Select); coding-DNA position 653, C replaced by T.
Protein change: p.Ser218Phe; replaces serine 218 with phenylalanine.
Molecular consequence: missense variant. On other transcripts: non-coding transcript variant (5), intron variant (3), 5 prime UTR variant (9).
Genome position (GRCh38, 1-based): chr16:2,056,648, C>T. VCF-style: chr16-2056648-C-T. GRCh37 (hg19) VCF-style: chr16-2106649-C-T.
Other names: c.653C>T, p.Ser218Phe (NM_001370405.1, NM_001406663.1, NM_001406664.1 and 6 more transcripts); c.743C>T, p.Ser248Phe (NM_001406667.1, NM_001406668.1); c.542C>T, p.Ser181Phe (NM_001406670.1, NM_001318827.2, NM_001406678.1); c.506C>T, p.Ser169Phe (NM_001406675.1, NM_001406676.1, NM_001318829.2 and 1 more transcripts); c.596C>T, p.Ser199Phe (NM_001406677.1); c.-771-8C>T (NM_001406696.1); c.649-8C>T (NM_001406671.1, NM_001406673.1); c.53C>T, p.Ser18Phe (NM_001318831.2, NM_001406680.1, NM_001406682.1 and 6 more transcripts); and 5 more; short protein forms S169F, S181F, S18F, S248F, S64F, S229F, S199F, S218F.
Identifiers: ClinVar variation 2700184 (VCV002700184.3), dbSNP rs2151077490, ClinGen allele CA394312322.